The following is an entry in ClinVar:

NM_001999.4(FBN2):c.5275A>G (p.Lys1759Glu)

Gene: FBN2 (fibrillin 2; minus strand). Cytogenetic location: 5q23.3.
Variant type: single nucleotide variant.
Coding change: c.5275A>G on transcript NM_001999.4 (MANE Select); coding-DNA position 5275, A replaced by G.
Protein change: p.Lys1759Glu; replaces lysine 1759 with glutamic acid.
Molecular consequence: missense variant.
Genome position (GRCh38, 1-based): chr5:128,309,325, T>C on the plus strand (A>G on the coding strand, the complement: FBN2 is on the minus strand). VCF-style: chr5-128309325-T-C. GRCh37 (hg19) VCF-style: chr5-127645017-T-C.
Other names: short protein forms K1759E.
Identifiers: ClinVar variation 1302491 (VCV001302491.2), dbSNP rs201113098, ClinGen allele CA360743938.

ClinVar aggregate classification (germline): Uncertain significance (1 of 4 stars; one submission).

gnomAD v4.1: 1 of 1,614,054 alleles (0.000062%); highest among the groups gnomAD compares: Admixed American, 0.0017%; no homozygotes.

Submission:

GeneDx
Classification: Uncertain significance. Last evaluated: 2019-06-04. Review status: criteria provided, single submitter. Criteria: GeneDx Variant Classification Process June 2021. Collection method: clinical testing. Allele origin: germline. Affected: yes.
Comment: Has not been previously published as pathogenic or benign to our knowledge; Not observed in large population cohorts (Lek et al., 2016); In silico analysis, which includes protein predictors and evolutionary conservation, supports a deleterious effect; Does not affect a cysteine residue within a calcium-binding EGF-like domain of the FBN2 gene; cysteine substitutions in the calcium-binding EGF-like domains represent the majority of pathogenic missense changes associated with FBN2 related disorders (Collod-Beroud et al., 2003; Frederic et al., 2009).